The following is an entry in ClinVar:

NM_015559.3(SETBP1):c.3178A>G (p.Met1060Val)

Gene: SETBP1 (SET binding protein 1; plus strand). Cytogenetic location: 18q12.3.
Variant type: single nucleotide variant.
Coding change: c.3178A>G on transcript NM_015559.3 (MANE Select); coding-DNA position 3178, A replaced by G.
Protein change: p.Met1060Val; replaces methionine 1060 with valine.
Molecular consequence: missense variant.
Genome position (GRCh38, 1-based): chr18:44,952,518, A>G. VCF-style: chr18-44952518-A-G. GRCh37 (hg19) VCF-style: chr18-42532483-A-G.
Other names: c.3178A>G, p.Met1060Val (NM_001379141.1, NM_001379142.1, NM_001410862.1); short protein forms M1060V.
Identifiers: ClinVar variation 1963680 (VCV001963680.5), dbSNP rs749747574, ClinGen allele CA8945860.

ClinVar aggregate classification (germline): Uncertain significance (1 of 4 stars; one submission).

Allele frequency attached by ClinVar (database versions not stated): gnomAD 0.00001; gnomAD exomes 0.00001; ExAC 0.00001.

Submission:

Labcorp Genetics (formerly Invitae), Labcorp
Classification: Uncertain significance. Last evaluated: 2025-09-17. Review status: criteria provided, single submitter. Criteria: Invitae Variant Classification Sherloc (09022015). Collection method: clinical testing. Allele origin: germline.
Comment: This sequence change replaces methionine, which is neutral and non-polar, with valine, which is neutral and non-polar, at codon 1060 of the SETBP1 protein (p.Met1060Val). This variant is present in population databases (rs749747574, gnomAD 0.003%). This variant has not been reported in the literature in individuals affected with SETBP1-related conditions. ClinVar contains an entry for this variant (Variation ID: 1963680). Invitae Evidence Modeling of protein sequence and biophysical properties (such as structural, functional, and spatial information, amino acid conservation, physicochemical variation, residue mobility, and thermodynamic stability) indicates that this missense variant is expected to disrupt SETBP1 protein function with a positive predictive value of 80%. In summary, the available evidence is currently insufficient to determine the role of this variant in disease. Therefore, it has been classified as a Variant of Uncertain Significance.